The following is an entry in ClinVar:

ClinVar aggregate classification (germline): Pathogenic. Review status: criteria provided, multiple submitters, no conflicts (2 of 4 stars). 2 submissions from 2 submitters: Pathogenic (2). Last evaluated 2024-11-11.

Conditions:
Ehlers-Danlos syndrome, dermatosparaxis type. Also called: EDS VIIC; Dermatosparaxis; Ehlers-Danlos syndrome, type VII, autosomal recessive. Identifiers: Orphanet 1901, MedGen C2700425, MONDO:0009161, OMIM 225410.

Submissions (2):

Women's Health and Genetics/Laboratory Corporation of America, LabCorp
Classification: Pathogenic for Ehlers-Danlos syndrome, dermatosparaxis type. Last evaluated: 2024-11-11. Review status: criteria provided, single submitter. Criteria: LabCorp Variant Classification Summary - May 2015. Collection method: clinical testing. Allele origin: germline.
Comment: Variant summary: ADAMTS2 c.669dupG (p.Pro224AlafsX42) results in a premature termination codon, predicted to cause a truncation of the encoded protein or absence of the protein due to nonsense mediated decay, which are commonly known mechanisms for disease. The frequency data for this variant in gnomAD is considered unreliable, as metrics indicate poor data quality at this position. c.669dupG has been reported in the literature in a homozygous individual affected with Ehlers-Danlos Syndrome, Type VIIC (Dermatosparaxis) (Van Damme_2016). These data indicate that the variant may be associated with disease. To our knowledge, no experimental evidence demonstrating an impact on protein function has been reported. No submitters have cited clinical-significance assessments for this variant to ClinVar. Based on the evidence outlined above, the variant was classified as pathogenic.

Myriad Genetics, Inc.
Classification: Pathogenic for Ehlers-Danlos syndrome, dermatosparaxis type. Last evaluated: 2024-05-14. Review status: criteria provided, single submitter. Criteria: Myriad Autosomal Dominant, Autosomal Recessive and X-Linked Classification Criteria (2023). Collection method: clinical testing. Allele origin: unknown.
Comment: NM_014244.4(ADAMTS2):c.669dupG(P224Afs*42) is expected to be pathogenic in the context of Ehlers-Danlos syndrome, ADAMTS2-related. This variant is predicted to lead to an abnormal or absent protein product due to the creation of a premature termination codon in ADAMTS2, a gene where loss-of-function variants are known to be pathogenic. Please note: this variant was assessed in the context of healthy population screening.

Literature cited by the submitters: PubMed 26765342 (cited by Women's Health and Genetics/Laboratory Corporation of America, LabCorp).

NM_014244.5(ADAMTS2):c.669dup (p.Pro224fs)

Gene: ADAMTS2 (ADAM metallopeptidase with thrombospondin type 1 motif 2; minus strand). Cytogenetic location: 5q35.3.
Variant type: Duplication.
Coding change: c.669dup on transcript NM_014244.5 (MANE Select); coding-DNA position 669, one base duplicated (G; older notation c.669dupG).
Protein change: p.Pro224fs; shifts the reading frame from proline 224.
Molecular consequence: frameshift variant.
Genome position (GRCh38, 1-based): chr5:179,272,930, C duplicated on the plus strand (G on the coding strand, the reverse complement: ADAMTS2 is on the minus strand); the first of 6 consecutive C bases (chr5:179,272,930-179,272,935); duplicating any one gives the same sequence. VCF-style (leftmost placement, unchanged base first): chr5-179272929-G-GC. GRCh37 (hg19) VCF-style: chr5-178699930-G-GC.
Other names: c.669dupG (NM_014244.5); c.669dup, p.Pro224fs (NM_021599.4); short protein forms P224fs.
Identifiers: ClinVar variation 3629699 (VCV003629699.2).